The following is an entry in ClinVar:

NM_007194.4(CHEK2):c.323G>C (p.Cys108Ser)

Gene: CHEK2 (checkpoint kinase 2; minus strand). Cytogenetic location: 22q12.1.
Variant type: single nucleotide variant.
Coding change: c.323G>C on transcript NM_007194.4 (MANE Select); coding-DNA position 323, G replaced by C.
Protein change: p.Cys108Ser; replaces cysteine 108 with serine.
Molecular consequence: missense variant.
Genome position (GRCh38, 1-based): chr22:28,725,364, C>G on the plus strand (G>C on the coding strand, the complement: CHEK2 is on the minus strand). VCF-style: chr22-28725364-C-G. GRCh37 (hg19) VCF-style: chr22-29121352-C-G.
Other names: c.452G>C, p.Cys151Ser (NM_001005735.3); c.-455G>C (NM_001257387.3); c.323G>C, p.Cys108Ser (NM_001349956.3, NM_145862.3); short protein forms C151S, C108S.
Identifiers: ClinVar variation 1729284 (VCV001729284.6), dbSNP rs1555927408, ClinGen allele CA411108291.
Genomic context (GRCh38, chr22:28,725,364, plus strand): 5'-GGTTCATCAAAGCAATATTCACAGCTTTTGTCCCTCCCAAACCAGTAGTTGTCATTCACA[C>G]ATTCTGTAATATAAAAGCATGCATCAGAGGGCTGTTGAATTTCATGTATCAAACGTTTAA-3'
Protein context (NP_009125.1, residues 98-118): ALQDGFANLE[Cys108Ser]VNDNYWFGRD

ClinVar aggregate classification (germline): Uncertain significance. Review status: criteria provided, multiple submitters, no conflicts (2 of 4 stars). 2 submissions from 2 submitters: Uncertain significance (2). Last evaluated 2025-03-31.

Conditions:
Hereditary cancer-predisposing syndrome. Also called: Tumor predisposition; Neoplastic Syndromes, Hereditary; Hereditary Cancer Syndrome; Hereditary neoplastic syndrome. Identifiers: Orphanet 140162, MedGen C0027672, MeSH D009386, MONDO:0015356.
Familial cancer of breast. Also called: Hereditary breast cancer; BREAST CANCER, FAMILIAL; hereditary breast carcinoma. Identifiers: Orphanet 227535, MedGen C0346153, MONDO:0016419, OMIM 114480. Disease mechanism: loss of function.

Submissions (2):

Ambry Genetics
Classification: Uncertain significance for Hereditary cancer-predisposing syndrome. Last evaluated: 2025-03-31. Review status: criteria provided, single submitter. Criteria: Ambry Variant Classification Scheme 2023. Collection method: clinical testing. Allele origin: germline.
Comment: The p.C108S variant (also known as c.323G>C), located in coding exon 2 of the CHEK2 gene, results from a G to C substitution at nucleotide position 323. The cysteine at codon 108 is replaced by serine, an amino acid with dissimilar properties. This amino acid position is highly conserved in available vertebrate species. In addition, this alteration is predicted to be deleterious by in silico analysis. Based on the available evidence, the clinical significance of this variant remains unclear.

Labcorp Genetics (formerly Invitae), Labcorp
Classification: Uncertain significance for Familial cancer of breast. Last evaluated: 2023-03-03. Review status: criteria provided, single submitter. Criteria: Invitae Variant Classification Sherloc (09022015). Collection method: clinical testing. Allele origin: germline.
Comment: In summary, the available evidence is currently insufficient to determine the role of this variant in disease. Therefore, it has been classified as a Variant of Uncertain Significance. An algorithm developed to predict the effect of missense changes on protein structure and function (PolyPhen-2) suggests that this variant is likely to be disruptive. ClinVar contains an entry for this variant (Variation ID: 1729284). This variant has not been reported in the literature in individuals affected with CHEK2-related conditions. This variant is not present in population databases (gnomAD no frequency). This sequence change replaces cysteine, which is neutral and slightly polar, with serine, which is neutral and polar, at codon 108 of the CHEK2 protein (p.Cys108Ser).